The following is an entry in ClinVar:

ClinVar aggregate classification (germline): Uncertain significance. Review status: criteria provided, multiple submitters, no conflicts (2 of 4 stars). 2 submissions from 2 submitters: Uncertain significance (2). Last evaluated 2024-05-20.

Conditions:
Inborn genetic diseases. Identifiers: MedGen C0950123, MeSH D030342.

Allele frequency attached by ClinVar (database versions not stated): gnomAD exomes 0.00001 and 0.00006; ExAC 0.00008; 1000 Genomes Project 30x 0.00016; gnomAD 0.00019; 1000 Genomes Project 0.00020; TOPMed 0.00028; ESP Exome Variant Server 0.00038.
gnomAD v4.1: 50 of 1,613,920 alleles (0.0031%); highest among the groups gnomAD compares: African/African-American, 0.063%; no homozygotes.

Submissions (2):

Ambry Genetics
Classification: Uncertain significance for Inborn genetic diseases. Last evaluated: 2024-05-20. Review status: criteria provided, single submitter. Criteria: Ambry Variant Classification Scheme 2023. Collection method: clinical testing. Allele origin: germline.

Labcorp Genetics (formerly Invitae), Labcorp
Classification: Uncertain significance. Last evaluated: 2022-07-19. Review status: criteria provided, single submitter. Criteria: Invitae Variant Classification Sherloc (09022015). Collection method: clinical testing. Allele origin: germline.
Comment: This sequence change replaces methionine, which is neutral and non-polar, with isoleucine, which is neutral and non-polar, at codon 718 of the SEC24D protein (p.Met718Ile). This variant is present in population databases (rs199809201, gnomAD 0.1%). This variant has not been reported in the literature in individuals affected with SEC24D-related conditions. ClinVar contains an entry for this variant (Variation ID: 1401961). Algorithms developed to predict the effect of missense changes on protein structure and function are either unavailable or do not agree on the potential impact of this missense change (SIFT: "Not Available"; PolyPhen-2: "Possibly Damaging"; Align-GVGD: "Not Available"). In summary, the available evidence is currently insufficient to determine the role of this variant in disease. Therefore, it has been classified as a Variant of Uncertain Significance.

NM_014822.4(SEC24D):c.2154G>C (p.Met718Ile)

Gene: SEC24D (SEC24 homolog D, COPII coat complex component; minus strand). Cytogenetic location: 4q26.
Variant type: single nucleotide variant.
Coding change: c.2154G>C on transcript NM_014822.4 (MANE Select); coding-DNA position 2154, G replaced by C.
Protein change: p.Met718Ile; replaces methionine 718 with isoleucine.
Molecular consequence: missense variant.
Genome position (GRCh38, 1-based): chr4:118,740,747, C>G on the plus strand (G>C on the coding strand, the complement: SEC24D is on the minus strand). VCF-style: chr4-118740747-C-G. GRCh37 (hg19) VCF-style: chr4-119661902-C-G.
Other names: c.2157G>C, p.Met719Ile (NM_001318066.2); c.2154G>C (NM_014822.2); short protein forms M718I, M719I.
Identifiers: ClinVar variation 1401961 (VCV001401961.9), dbSNP rs199809201, ClinGen allele CA3057051.